The following is an entry in ClinVar:

NM_015160.3(PMPCA):c.1010T>G (p.Phe337Cys)

Gene: PMPCA (peptidase, mitochondrial processing subunit alpha; plus strand). Cytogenetic location: 9q34.3.
Variant type: single nucleotide variant.
Coding change: c.1010T>G on transcript NM_015160.3 (MANE Select); coding-DNA position 1010, T replaced by G.
Protein change: p.Phe337Cys; replaces phenylalanine 337 with cysteine.
Molecular consequence: missense variant.
Genome position (GRCh38, 1-based): chr9:136,418,574, T>G. VCF-style: chr9-136418574-T-G. GRCh37 (hg19) VCF-style: chr9-139313026-T-G.
Other names: c.617T>G, p.Phe206Cys (NM_001282944.2); c.710T>G, p.Phe237Cys (NM_001282946.2); short protein forms F206C, F237C, F337C.
Identifiers: ClinVar variation 4628027 (VCV004628027.2).

ClinVar aggregate classification (germline): Uncertain significance. Review status: criteria provided, multiple submitters, no conflicts (2 of 4 stars). 2 submissions from 2 submitters: Uncertain significance (2). Last evaluated 2026-01-01.

Conditions:
Inborn genetic diseases. Identifiers: MedGen C0950123, MeSH D030342.

Submissions (2):

Labcorp Genetics (formerly Invitae), Labcorp
Classification: Uncertain significance. Last evaluated: 2026-01-01. Review status: criteria provided, single submitter. Criteria: Invitae Variant Classification Sherloc (09022015). Collection method: clinical testing. Allele origin: germline.
Comment: This sequence change replaces phenylalanine, which is neutral and non-polar, with cysteine, which is neutral and slightly polar, at codon 337 of the PMPCA protein (p.Phe337Cys). This variant is not present in population databases (gnomAD no frequency). This variant has not been reported in the literature in individuals affected with PMPCA-related conditions. Invitae Evidence Modeling of protein sequence and biophysical properties (such as structural, functional, and spatial information, amino acid conservation, physicochemical variation, residue mobility, and thermodynamic stability) has been performed for this missense variant. However, the output from this modeling did not meet the statistical confidence thresholds required to predict the impact of this variant on PMPCA protein function. In summary, the available evidence is currently insufficient to determine the role of this variant in disease. Therefore, it has been classified as a Variant of Uncertain Significance.

Ambry Genetics
Classification: Uncertain significance for Inborn genetic diseases. Last evaluated: 2025-09-18. Review status: criteria provided, single submitter. Criteria: Ambry Variant Classification Scheme 2023. Collection method: clinical testing. Allele origin: germline.